The following is an entry in ClinVar:

ClinVar aggregate classification (germline): Uncertain significance (1 of 4 stars; one submission).

Conditions:
Neuropathy, hereditary sensory, type 2C. Also called: KIF1A-Related HSAN2 (HSAN2C); Hereditary sensory and autonomic neuropathy type IIC. Identifiers: Orphanet 970, MedGen C3280168, MONDO:0013634, OMIM 614213.
Hereditary spastic paraplegia 30. Identifiers: Orphanet 101010, MedGen C5235139, MONDO:0012476.
Intellectual disability, autosomal dominant 9 (NESCAVS). Also called: KIF1A-Related Neurodevelopmental Disorder; NESCAV SYNDROME. Identifiers: Orphanet 662367, MedGen C5393830, MONDO:0013656, OMIM 614255.

Submission:

Labcorp Genetics (formerly Invitae), Labcorp
Classification: Uncertain significance for Hereditary spastic paraplegia 30; Neuropathy, hereditary sensory, type 2C; Intellectual disability, autosomal dominant 9. Last evaluated: 2025-11-08. Review status: criteria provided, single submitter. Criteria: Invitae Variant Classification Sherloc (09022015). Collection method: clinical testing. Allele origin: germline.
Comment: This sequence change replaces aspartic acid, which is acidic and polar, with asparagine, which is neutral and polar, at codon 302 of the KIF1A protein (p.Asp302Asn). This variant is not present in population databases (gnomAD no frequency). This variant has not been reported in the literature in individuals affected with KIF1A-related conditions. Invitae Evidence Modeling of protein sequence and biophysical properties (such as structural, functional, and spatial information, amino acid conservation, physicochemical variation, residue mobility, and thermodynamic stability) indicates that this missense variant is expected to disrupt KIF1A protein function with a positive predictive value of 95%. In summary, the available evidence is currently insufficient to determine the role of this variant in disease. Therefore, it has been classified as a Variant of Uncertain Significance.

NM_001244008.2(KIF1A):c.904G>A (p.Asp302Asn)

Gene: KIF1A (kinesin family member 1A; minus strand). Cytogenetic location: 2q37.3.
Variant type: single nucleotide variant.
Coding change: c.904G>A on transcript NM_001244008.2 (MANE Select); coding-DNA position 904, G replaced by A.
Protein change: p.Asp302Asn; replaces aspartic acid 302 with asparagine.
Molecular consequence: missense variant.
Genome position (GRCh38, 1-based): chr2:240,775,905, C>T on the plus strand (G>A on the coding strand, the complement: KIF1A is on the minus strand). VCF-style: chr2-240775905-C-T. GRCh37 (hg19) VCF-style: chr2-241715322-C-T.
Other names: c.904G>A, p.Asp302Asn (NM_001320705.2, NM_001330289.2, NM_001330290.2 and 20 more transcripts); short protein forms D302N.
Identifiers: ClinVar variation 4789383 (VCV004789383.1).